The following is an entry in ClinVar:

ClinVar aggregate classification (germline): Uncertain significance. Review status: criteria provided, single submitter (1 of 4 stars). 2 submissions from 2 submitters: Uncertain significance (1). 1 of the submissions does not count toward it. Last evaluated 2021-04-08.

Conditions:
SALL1-related disorder. Also called: SALL1-related condition.
Townes syndrome (TBS). Also called: Townes-Brocks syndrome. Identifiers: Orphanet 857, MedGen C0265246, MeSH C536974, MONDO:0007142.

Allele frequency attached by ClinVar (database versions not stated): gnomAD exomes below 0.00001; gnomAD 0.00001 and 0.00002; TOPMed 0.00001.
gnomAD v4.1: 3 of 1,613,992 alleles (0.00019%); highest among the groups gnomAD compares: African/African-American, 0.004%; no homozygotes.

Submissions (2):

Labcorp Genetics (formerly Invitae), Labcorp
Classification: Uncertain significance for Townes syndrome. Last evaluated: 2021-04-08. Review status: criteria provided, single submitter. Criteria: Invitae Variant Classification Sherloc (09022015). Collection method: clinical testing. Allele origin: germline.
Comment: In summary, the available evidence is currently insufficient to determine the role of this variant in disease. Therefore, it has been classified as a Variant of Uncertain Significance. Algorithms developed to predict the effect of missense changes on protein structure and function (SIFT, PolyPhen-2, Align-GVGD) all suggest that this variant is likely to be tolerated, but these predictions have not been confirmed by published functional studies and their clinical significance is uncertain. This variant has not been reported in the literature in individuals with SALL1-related conditions. This variant is not present in population databases (ExAC no frequency). This sequence change replaces phenylalanine with valine at codon 818 of the SALL1 protein (p.Phe818Val). The phenylalanine residue is moderately conserved and there is a small physicochemical difference between phenylalanine and valine.

PreventionGenetics, part of Exact Sciences
Classification: Uncertain significance for SALL1-related condition. Last evaluated: 2024-05-01. Review status: no assertion criteria provided. Collection method: clinical testing. Allele origin: germline. Not counted in ClinVar's aggregate classification.
Comment: The SALL1 c.2452T>G variant is predicted to result in the amino acid substitution p.Phe818Val. To our knowledge, this variant has not been reported in the literature. This variant is reported in 0.0080% of alleles in individuals of African descent in gnomAD. At this time, the clinical significance of this variant is uncertain due to the absence of conclusive functional and genetic evidence.

NM_002968.3(SALL1):c.2452T>G (p.Phe818Val)

Gene: SALL1 (spalt like transcription factor 1; minus strand). Cytogenetic location: 16q12.1.
Variant type: single nucleotide variant.
Coding change: c.2452T>G on transcript NM_002968.3 (MANE Select); coding-DNA position 2452, T replaced by G.
Protein change: p.Phe818Val; replaces phenylalanine 818 with valine.
Molecular consequence: missense variant.
Genome position (GRCh38, 1-based): chr16:51,139,770, A>C on the plus strand (T>G on the coding strand, the complement: SALL1 is on the minus strand). VCF-style: chr16-51139770-A-C. GRCh37 (hg19) VCF-style: chr16-51173681-A-C.
Other names: c.2161T>G, p.Phe721Val (NM_001127892.2); c.2452T>G (NM_002968.2); short protein forms F721V, F818V.
Identifiers: ClinVar variation 1474847 (VCV001474847.9), dbSNP rs1297554616, ClinGen allele CA395884816.